The following is an entry in ClinVar:

ClinVar aggregate classification (germline): Pathogenic/Likely pathogenic. Review status: criteria provided, multiple submitters, no conflicts (2 of 4 stars). 2 submissions from 2 submitters: Pathogenic (1); Likely pathogenic (1). Last evaluated 2017-06-02.

Conditions:
Shprintzen-Goldberg syndrome (SGS). Also called: CRANIOSYNOSTOSIS WITH ARACHNODACTYLY AND ABDOMINAL HERNIAS; Marfanoid disorder with craniosynostosis type 1; Marfanoid craniosynostosis syndrome; Shprintzen-Goldberg marfanoid syndrome; SHPRINTZEN-GOLDBERG CRANIOSYNOSTOSIS SYNDROME. Identifiers: Orphanet 2462, MedGen C1321551, MONDO:0008426, OMIM 182212.

Submissions (2):

GeneDx
Classification: Likely pathogenic. Last evaluated: 2017-06-02. Review status: criteria provided, single submitter. Criteria: GeneDx Variant Classification (06012015). Collection method: clinical testing. Allele origin: germline. Affected: yes.
Comment: The G117R variant in the SKI gene has been reported in one individual with SGS, and was apparently de novo (Doyle et al., 2012). The G117R variant is not observed in large population cohorts (Lek et al., 2016; 1000 Genomes Consortium et al., 2015; Exome Variant Server). The G117R variant is a non-conservative amino acid substitution, which is likely to impact secondary protein structure as these residues differ in polarity, charge, size and/or other properties. This substitution occurs at a position that is conserved across species, and in silico analysis predicts this variant is probably damaging to the protein structure/function. Western blot studies using patient skin cells suggested changes to TGF-beta signaling and likely consistent with a deleterious effect on SKI, though transfection of the variant into an external model organism was not completed (Doyle et al., 2012).

Baylor-Hopkins Center for Mendelian Genomics, Johns Hopkins University School of Medicine
Classification: Pathogenic for Shprintzen-Goldberg syndrome. Review status: criteria provided, single submitter. Criteria: Submitter's publication. Collection method: research. Allele origin: de novo. Affected: yes. Observed: 1 heterozygote.

NM_003036.4(SKI):c.349G>C (p.Gly117Arg)

Gene: SKI (SKI proto-oncogene; plus strand). Cytogenetic location: 1p36.33.
Variant type: single nucleotide variant.
Coding change: c.349G>C on transcript NM_003036.4 (MANE Select); coding-DNA position 349, G replaced by C.
Protein change: p.Gly117Arg; replaces glycine 117 with arginine.
Molecular consequence: missense variant.
Genome position (GRCh38, 1-based): chr1:2,229,115, G>C. VCF-style: chr1-2229115-G-C. GRCh37 (hg19) VCF-style: chr1-2160554-G-C.
Other names: short protein forms G117R.
Identifiers: ClinVar variation 224868 (VCV000224868.3), dbSNP rs869312901, ClinGen allele CA354088.